The following is an entry in ClinVar:

ClinVar aggregate classification (germline): Uncertain significance (1 of 4 stars; one submission).

Conditions:
Lipodystrophy, partial, acquired, susceptibility to (APLD). Also called: APLD, SUSCEPTIBILITY TO. Identifiers: MedGen C3887501, MONDO:0100476, OMIM 608709.
Progressive myoclonic epilepsy type 9. Identifiers: Orphanet 457265, MedGen C4225289, MONDO:0014685, OMIM 616540.

Allele frequency attached by ClinVar (database versions not stated): TOPMed 0.00002.
gnomAD v4.1: 13 of 1,600,362 alleles (0.00081%); highest among the groups gnomAD compares: African/African-American, 0.004%; no homozygotes.

Submission:

Labcorp Genetics (formerly Invitae), Labcorp
Classification: Uncertain significance for Progressive myoclonic epilepsy type 9; Lipodystrophy, partial, acquired, susceptibility to. Last evaluated: 2018-09-06. Review status: criteria provided, single submitter. Criteria: Invitae Variant Classification Sherloc (09022015). Collection method: clinical testing. Allele origin: germline.
Comment: This sequence change replaces serine with tryptophan at codon 419 of the LMNB2 protein (p.Ser419Trp). The serine residue is highly conserved and there is a large physicochemical difference between serine and tryptophan. This variant is not present in population databases (ExAC no frequency). This variant has not been reported in the literature in individuals with an LMNB2-related disease. Algorithms developed to predict the effect of missense changes on protein structure and function (SIFT, PolyPhen-2, Align-GVGD) all suggest that this variant is likely to be disruptive, but these predictions have not been confirmed by published functional studies and their clinical significance is uncertain. In summary, this variant has uncertain impact on LMNB2 function. The available evidence is currently insufficient to determine its role in disease. Therefore, it has been classified as a Variant of Uncertain Significance.

NM_032737.4(LMNB2):c.1256C>G (p.Ser419Trp)

Gene: LMNB2 (lamin B2; minus strand). Cytogenetic location: 19p13.3.
Variant type: single nucleotide variant.
Coding change: c.1256C>G on transcript NM_032737.4 (MANE Select); coding-DNA position 1256, C replaced by G.
Protein change: p.Ser419Trp; replaces serine 419 with tryptophan.
Molecular consequence: missense variant.
Genome position (GRCh38, 1-based): chr19:2,434,052, G>C on the plus strand (C>G on the coding strand, the complement: LMNB2 is on the minus strand). VCF-style: chr19-2434052-G-C. GRCh37 (hg19) VCF-style: chr19-2434050-G-C.
Other names: short protein forms S419W.
Identifiers: ClinVar variation 475771 (VCV000475771.9), dbSNP rs368949581, ClinGen allele CA403252169.